The following is an entry in ClinVar:

ClinVar aggregate classification (germline): Uncertain significance (1 of 4 stars; one submission).

Conditions:
Multiple endocrine neoplasia, type 2 (MEN2). Identifiers: Orphanet 653, MedGen C4048306, MONDO:0019003. Disease mechanism: gain of function.

Submission:

All of Us Research Program, National Institutes of Health
Classification: Uncertain significance for Multiple endocrine neoplasia, type 2. Last evaluated: 2023-05-16. Review status: criteria provided, single submitter. Criteria: ACMG Guidelines, 2015. Collection method: clinical testing. Allele origin: germline. Inheritance: Autosomal dominant inheritance. Observed: 1 variant allele, 1 heterozygote.
Comment: This missense variant replaces serine with threonine at codon 653 of the RET protein. Computational prediction suggests that this variant may have deleterious impact on protein structure and function (internally defined REVEL score threshold >= 0.7, PMID: 27666373). To our knowledge, functional studies have not been reported for this variant. This variant has not been reported in individuals affected with RET-related disorders in the literature. This variant has not been identified in the general population by the Genome Aggregation Database (gnomAD). The available evidence is insufficient to determine the role of this variant in disease conclusively. Therefore, this variant is classified as a Variant of Uncertain Significance.

This study involves interpretation of variants in research participants for the purpose of population health screening. Participant phenotype was not available at the time of variant classification. Additional details can be found in publication PMID: 35346344, PMCID: PMC8962531

NM_020975.6(RET):c.1957T>A (p.Ser653Thr)

Gene: RET (ret proto-oncogene; plus strand). Cytogenetic location: 10q11.21.
Variant type: single nucleotide variant.
Coding change: c.1957T>A on transcript NM_020975.6 (MANE Select); coding-DNA position 1957, T replaced by A.
Protein change: p.Ser653Thr; replaces serine 653 with threonine.
Molecular consequence: missense variant. On other transcripts: intron variant (4).
Genome position (GRCh38, 1-based): chr10:43,114,557, T>A. VCF-style: chr10-43114557-T-A. GRCh37 (hg19) VCF-style: chr10-43610005-T-A.
Other names: c.1957T>A, p.Ser653Thr (NM_000323.2, NM_001406743.1, NM_001406744.1 and 4 more transcripts); c.1195T>A, p.Ser399Thr (NM_001355216.2); c.1828T>A, p.Ser610Thr (NM_001406761.1, NM_001406762.1, NM_001406764.1); c.1669T>A, p.Ser557Thr (NM_001406766.1, NM_001406767.1, NM_001406770.1); c.1561T>A, p.Ser521Thr (NM_001406769.1, NM_001406772.1); c.1519T>A, p.Ser507Thr (NM_001406771.1, NM_001406773.1); c.1432T>A, p.Ser478Thr (NM_001406774.1); c.1231T>A, p.Ser411Thr (NM_001406775.1, NM_001406776.1, NM_001406777.1 and 1 more transcripts); and 10 more; short protein forms S170T, S218T, S258T, S311T, S314T, S323T, S354T, S399T.
Identifiers: ClinVar variation 3071183 (VCV003071183.1), dbSNP rs2132847327, ClinGen allele CA376553013.